The following is an entry in ClinVar:

NM_003476.5(CSRP3):c.568G>T (p.Val190Leu)

Gene: CSRP3 (cysteine and glycine rich protein 3; minus strand). Cytogenetic location: 11p15.1.
Variant type: single nucleotide variant.
Coding change: c.568G>T on transcript NM_003476.5 (MANE Select); coding-DNA position 568, G replaced by T.
Protein change: p.Val190Leu; replaces valine 190 with leucine.
Molecular consequence: missense variant.
Genome position (GRCh38, 1-based): chr11:19,182,687, C>A on the plus strand (G>T on the coding strand, the complement: CSRP3 is on the minus strand). VCF-style: chr11-19182687-C-A. GRCh37 (hg19) VCF-style: chr11-19204234-C-A.
Other names: c.399G>T, p.Lys133Asn (NM_001369404.1); short protein forms V190L, K133N.
Identifiers: ClinVar variation 520519 (VCV000520519.21), dbSNP rs145073736, ClinGen allele CA5916503.

ClinVar aggregate classification (germline): Conflicting classifications of pathogenicity. Review status: criteria provided, conflicting classifications (1 of 4 stars). 7 submissions from 7 submitters: Uncertain significance (5); Likely benign (2). Last evaluated 2026-05-10.

Conditions:
CSRP3-related disorder. Also called: CSRP3-related condition; CSRP3-related disorders.
Cardiovascular phenotype. Identifiers: MedGen CN230736.
Cardiomyopathy (CMYO). Also called: Cardiomyopathies. Identifiers: Orphanet 167848, MedGen C0878544, MONDO:0004994, HP:0001638. Inheritance: Various modes of inheritance.
Hypertrophic cardiomyopathy 12. Identifiers: MedGen C2677491, MONDO:0012804, OMIM 612124.
Dilated cardiomyopathy 1M (CMD1M). Identifiers: Orphanet 154, MedGen C1843808, MONDO:0011840, OMIM 607482.
Primary familial hypertrophic cardiomyopathy (HCM). Identifiers: Orphanet 99739, MedGen C0949658, MeSH D024741, MONDO:0024573. Inheritance: Various modes of inheritance.

Allele frequency attached by ClinVar (database versions not stated): gnomAD 0.00003; ExAC 0.00008; ESP Exome Variant Server 0.00023; gnomAD exomes 0.00004 and 0.00005; TOPMed 0.00005.
gnomAD v4.1: 56 of 1,614,028 alleles (0.0035%); highest among the groups gnomAD compares: Middle Eastern, 0.033%; no homozygotes.

Submissions (7):

PreventionGenetics, part of Exact Sciences
Classification: Uncertain significance for CSRP3-related condition. Last evaluated: 2026-05-10. Review status: criteria provided, single submitter. Criteria: ACMG Guidelines, 2015. Collection method: clinical testing. Allele origin: germline.
Comment: The CSRP3 c.568G>T variant is predicted to result in the amino acid substitution p.Val190Leu. This variant has been reported in one individual with hypertrophic cardiomyopathy (Online data, Marschall et al. 2019. PubMed ID: 31737537). This variant is reported in 0.0096% of alleles in individuals of Ashkenazi Jewish descent in gnomAD. At this time, the clinical significance of this variant is uncertain due to the absence of conclusive functional and genetic evidence.

Labcorp Genetics (formerly Invitae), Labcorp
Classification: Uncertain significance for Hypertrophic cardiomyopathy 12; Dilated cardiomyopathy 1M. Last evaluated: 2025-12-29. Review status: criteria provided, single submitter. Criteria: Invitae Variant Classification Sherloc (09022015). Collection method: clinical testing. Allele origin: germline.
Comment: This sequence change replaces valine, which is neutral and non-polar, with leucine, which is neutral and non-polar, at codon 190 of the CSRP3 protein (p.Val190Leu). This variant is present in population databases (rs145073736, gnomAD 0.02%). This missense change has been observed in individual(s) with hypertrophic cardiomyopathy (PMID: 31737537). ClinVar contains an entry for this variant (Variation ID: 520519). An algorithm developed to predict the effect of missense changes on protein structure and function (PolyPhen-2) suggests that this variant is likely to be tolerated. In summary, the available evidence is currently insufficient to determine the role of this variant in disease. Therefore, it has been classified as a Variant of Uncertain Significance.

Women's Health and Genetics/Laboratory Corporation of America, LabCorp
Classification: Likely benign. Last evaluated: 2025-07-14. Review status: criteria provided, single submitter. Criteria: LabCorp Variant Classification Summary - May 2015. Collection method: clinical testing. Allele origin: germline.
Comment: Variant summary: CSRP3 c.568G>T (p.Val190Leu) results in a conservative amino acid change in the encoded protein sequence. Algorithms developed to predict the effect of missense changes on protein structure and function are either unavailable or do not agree on the potential impact of this missense change. The variant allele was found at a frequency of 4.8e-05 in 251454 control chromosomes. The observed variant frequency is approximately 2 fold of the estimated maximal expected allele frequency for a pathogenic variant in CSRP3 causing Cardiomyopathy phenotype (2.5e-05). To our knowledge, no experimental evidence demonstrating its impact on protein function has been reported. ClinVar contains an entry for this variant (Variation ID: 520519). Based on the evidence outlined above, the variant was classified as likely benign.

Ambry Genetics
Classification: Likely benign for Cardiovascular phenotype. Last evaluated: 2024-03-18. Review status: criteria provided, single submitter. Criteria: Ambry Variant Classification Scheme 2023. Collection method: clinical testing. Allele origin: germline.

GeneDx
Classification: Uncertain significance. Last evaluated: 2021-03-17. Review status: criteria provided, single submitter. Criteria: GeneDx Variant Classification Process June 2021. Collection method: clinical testing. Allele origin: germline. Affected: yes.
Comment: Observed in an individual with HCM (Marschall et al., 2019); Reported in ClinVar but additional evidence is not available (ClinVar Variant ID #520519; Landrum et al., 2016); In silico analysis supports that this missense variant does not alter protein structure/function; This variant is associated with the following publications: (PMID: 31737537)

CHEO Genetics Diagnostic Laboratory, Children's Hospital of Eastern Ontario
Classification: Uncertain significance for Cardiomyopathy. Last evaluated: 2017-08-24. Review status: criteria provided, single submitter. Criteria: ACMG Guidelines, 2015. Collection method: clinical testing. Allele origin: germline. Study: Canadian Open Genetics Repository.

Molecular Diagnostic Laboratory for Inherited Cardiovascular Disease, Montreal Heart Institute
Classification: Uncertain significance for Primary familial hypertrophic cardiomyopathy. Last evaluated: 2017-03-10. Review status: criteria provided, single submitter. Criteria: ACMG Guidelines, 2015. Collection method: clinical testing. Allele origin: germline. Affected: yes.

Literature cited by the submitters: PubMed 31737537 (cited by Labcorp Genetics (formerly Invitae), Labcorp and Ambry Genetics).